The following is an entry in ClinVar:

NM_003072.5(SMARCA4):c.1266G>A (p.Val422=)

Gene: SMARCA4 (SWI/SNF related BAF chromatin remodeling complex subunit ATPase 4; plus strand). Cytogenetic location: 19p13.2.
Variant type: single nucleotide variant.
Coding change: c.1266G>A on transcript NM_003072.5 (MANE Select); coding-DNA position 1266, G replaced by A.
Protein change: p.Val422=; no amino-acid change (valine 422 retained).
Molecular consequence: synonymous variant. On other transcripts: non-coding transcript variant (1).
Genome position (GRCh38, 1-based): chr19:10,991,170, G>A. VCF-style: chr19-10991170-G-A. GRCh37 (hg19) VCF-style: chr19-11101846-G-A.
Other names: c.1266G>A, p.Val422= (NM_001128844.3, NM_001128845.2, NM_001128846.2 and 5 more transcripts).
Identifiers: ClinVar variation 470238 (VCV000470238.17), dbSNP rs969090029, ClinGen allele CA305289185.

ClinVar aggregate classification (germline): Benign/Likely benign. Review status: criteria provided, multiple submitters, no conflicts (2 of 4 stars). 3 submissions from 3 submitters: Benign (1); Likely benign (2). Last evaluated 2026-07-10.

Conditions:
Rhabdoid tumor predisposition syndrome 2 (RTPS2). Identifiers: Orphanet 231108, Orphanet 69077, MedGen C2750074, MONDO:0013224, OMIM 613325.
Hereditary cancer-predisposing syndrome. Also called: Hereditary Cancer Syndrome; Hereditary neoplastic syndrome; Neoplastic Syndromes, Hereditary; Tumor predisposition. Identifiers: Orphanet 140162, MedGen C0027672, MeSH D009386, MONDO:0015356.

Allele frequency attached by ClinVar (database versions not stated): TOPMed 0.00001; gnomAD exomes below 0.00001; gnomAD 0.00001.
gnomAD v4.1: 4 of 1,613,698 alleles (0.00025%); highest among the groups gnomAD compares: Non-Finnish European, 0.00034%; no homozygotes.

Submissions (3):

Myriad Genetics, Inc.
Classification: Benign for Rhabdoid tumor predisposition syndrome 2. Last evaluated: 2026-07-10. Review status: criteria provided, single submitter. Criteria: Myriad Autosomal Dominant, Autosomal Recessive and X-Linked Classification Criteria (2023). Collection method: clinical testing. Allele origin: unknown.
Comment: This variant is considered benign. This variant is a silent/synonymous amino acid change and it is not expected to impact splicing.

Labcorp Genetics (formerly Invitae), Labcorp
Classification: Likely benign for Rhabdoid tumor predisposition syndrome 2. Last evaluated: 2025-11-01. Review status: criteria provided, single submitter. Criteria: Invitae Variant Classification Sherloc (09022015). Collection method: clinical testing. Allele origin: germline.

Ambry Genetics
Classification: Likely benign for Hereditary cancer-predisposing syndrome. Last evaluated: 2015-08-19. Review status: criteria provided, single submitter. Criteria: Ambry Variant Classification Scheme 2023. Collection method: clinical testing. Allele origin: germline.